The following is an entry in ClinVar:

ClinVar aggregate classification (germline): Uncertain significance (1 of 4 stars; one submission).

Conditions:
Epidermolysis bullosa simplex 5B, with muscular dystrophy (EBS5B). Also called: Epidermolysis bullosa simplex with muscular dystrophy; EPIDERMOLYSIS BULLOSA SIMPLEX AND LIMB-GIRDLE MUSCULAR DYSTROPHY. Identifiers: Orphanet 257, MedGen C2931072, MONDO:0009181, OMIM 226670.
Epidermolysis bullosa simplex, Ogna type (EBS5A). Also called: Pidermolysis bullosa simplex 5A, Ogna type; EPIDERMOLYSIS BULLOSA SIMPLEX 5A, OGNA TYPE. Identifiers: Orphanet 79401, MedGen C0432317, MONDO:0007555, OMIM 131950.
Epidermolysis bullosa simplex 5C, with pyloric atresia (EBS5C). Also called: PLEC-Related Epidermolysis Bullosa with Pyloric Atresia; Epidermolysis bullosa simplex with pyloric atresia; PLEC1-Related Epidermolysis Bullosa with Pyloric Atresia. Identifiers: Orphanet 158684, MedGen C2677349, MONDO:0012807, OMIM 612138.
Autosomal recessive limb-girdle muscular dystrophy type 2Q (LGMDR17). Also called: MUSCULAR DYSTROPHY, LIMB-GIRDLE, AUTOSOMAL RECESSIVE 17. Identifiers: Orphanet 254361, MedGen C3150989, MONDO:0013390, OMIM 613723.
Epidermolysis bullosa simplex with nail dystrophy (EBS5D). Identifiers: MedGen C4225309, MONDO:0014661, OMIM 616487.

Allele frequency attached by ClinVar (database versions not stated): gnomAD exomes below 0.00001; ExAC 0.00001; gnomAD 0.00001.
gnomAD v4.1: 8 of 1,612,998 alleles (0.0005%); highest among the groups gnomAD compares: Middle Eastern, 0.016%; no homozygotes.

Submission:

Labcorp Genetics (formerly Invitae), Labcorp
Classification: Uncertain significance for Autosomal recessive limb-girdle muscular dystrophy type 2Q; Epidermolysis bullosa simplex, Ogna type; Epidermolysis bullosa simplex with nail dystrophy; Epidermolysis bullosa simplex 5C, with pyloric atresia; Epidermolysis bullosa simplex 5B, with muscular dystrophy. Last evaluated: 2025-04-08. Review status: criteria provided, single submitter. Criteria: Invitae Variant Classification Sherloc (09022015). Collection method: clinical testing. Allele origin: germline.
Comment: This sequence change replaces serine, which is neutral and polar, with phenylalanine, which is neutral and non-polar, at codon 372 of the PLEC protein (p.Ser372Phe). This variant is present in population databases (rs782069556, gnomAD 0.003%). This variant has not been reported in the literature in individuals affected with PLEC-related conditions. ClinVar contains an entry for this variant (Variation ID: 1006082). Experimental studies and prediction algorithms are not available or were not evaluated, and the functional significance of this variant is currently unknown. In summary, the available evidence is currently insufficient to determine the role of this variant in disease. Therefore, it has been classified as a Variant of Uncertain Significance.

NM_201384.3(PLEC):c.1034C>T (p.Ser345Phe)

Gene: PLEC (plectin; minus strand). Cytogenetic location: 8q24.3.
Variant type: single nucleotide variant.
Coding change: c.1034C>T on transcript NM_201384.3 (MANE Select); coding-DNA position 1034, C replaced by T.
Protein change: p.Ser345Phe; replaces serine 345 with phenylalanine.
Molecular consequence: missense variant.
Genome position (GRCh38, 1-based): chr8:143,934,642, G>A on the plus strand (C>T on the coding strand, the complement: PLEC is on the minus strand). VCF-style: chr8-143934642-G-A. GRCh37 (hg19) VCF-style: chr8-145008810-G-A.
Other names: c.992C>T, p.Ser331Phe (NM_201378.4); c.968C>T, p.Ser323Phe (NM_201379.3); c.1445C>T, p.Ser482Phe (NM_201380.4); c.938C>T, p.Ser313Phe (NM_201381.3); c.1034C>T, p.Ser345Phe (NM_201382.4); c.1046C>T, p.Ser349Phe (NM_201383.3); c.1115C>T, p.Ser372Phe (NM_000445.5); short protein forms S313F, S323F, S331F, S345F, S349F, S372F, S482F.
Identifiers: ClinVar variation 1006082 (VCV001006082.5), dbSNP rs782069556, ClinGen allele CA4928213.